The following is an entry in ClinVar:

ClinVar aggregate classification (germline): Uncertain significance (1 of 4 stars; one submission).

Allele frequency attached by ClinVar (database versions not stated): gnomAD exomes below 0.00001; gnomAD 0.00001.
gnomAD v4.1: 2 of 1,613,936 alleles (0.00012%); highest among the groups gnomAD compares: Admixed American, 0.0033%; no homozygotes.

Submission:

Ambry Genetics
Classification: Uncertain significance. Last evaluated: 2023-11-06. Review status: criteria provided, single submitter. Criteria: Ambry Variant Classification Scheme 2023. Collection method: clinical testing. Allele origin: germline.
Comment: The p.R1370W variant (also known as c.4108C>T), located in coding exon 17 of the NPAT gene, results from a C to T substitution at nucleotide position 4108. The arginine at codon 1370 is replaced by tryptophan, an amino acid with dissimilar properties. This amino acid position is conserved. In addition, the in silico prediction for this alteration is inconclusive. Since supporting evidence is limited at this time, the clinical significance of this alteration remains unclear.

NM_002519.3(NPAT):c.4108C>T (p.Arg1370Trp)

Gene: NPAT (nuclear protein, coactivator of histone transcription; minus strand). Cytogenetic location: 11q22.3.
Variant type: single nucleotide variant.
Coding change: c.4108C>T on transcript NM_002519.3 (MANE Select); coding-DNA position 4108, C replaced by T.
Protein change: p.Arg1370Trp; replaces arginine 1370 with tryptophan.
Molecular consequence: missense variant.
Genome position (GRCh38, 1-based): chr11:108,160,978, G>A on the plus strand (C>T on the coding strand, the complement: NPAT is on the minus strand). VCF-style: chr11-108160978-G-A. GRCh37 (hg19) VCF-style: chr11-108031705-G-A.
Other names: c.4129C>T, p.Arg1377Trp (NM_001321307.1); short protein forms R1370W, R1377W.
Identifiers: ClinVar variation 3222621 (VCV003222621.1), dbSNP rs1465238492, ClinGen allele CA382509351.